The following is an entry in ClinVar:

ClinVar aggregate classification (germline): Uncertain significance (1 of 4 stars; one submission).

Conditions:
Familial thoracic aortic aneurysm and aortic dissection (TAAD). Also called: Thoracic aortic aneurysms and dissections. Identifiers: Orphanet 91387, MedGen C4707243, MONDO:0019625.

Allele frequency attached by ClinVar (database versions not stated): gnomAD exomes below 0.00001.
gnomAD v4.1: 1 of 1,614,154 alleles (0.000062%); highest among the groups gnomAD compares: Non-Finnish European, 0.000085%; no homozygotes.

Submission:

All of Us Research Program, National Institutes of Health
Classification: Uncertain significance for Familial thoracic aortic aneurysm and aortic dissection. Last evaluated: 2023-08-08. Review status: criteria provided, single submitter. Criteria: ACMG Guidelines, 2015. Collection method: clinical testing. Allele origin: germline. Inheritance: Autosomal dominant inheritance. Observed: 1 variant allele, 1 heterozygote.
Comment: This variant causes a G to A nucleotide substitution at the -4 position of intron 2 of the MYH11 gene. To our knowledge, functional studies have not been reported for this variant. This variant has not been reported in individuals affected with MYH11-related disorders in the literature. This variant has not been identified in the general population by the Genome Aggregation Database (gnomAD). The available evidence is insufficient to determine the role of this variant in disease conclusively. Therefore, this variant is classified as a Variant of Uncertain Significance.

This study involves interpretation of variants in research participants for the purpose of population health screening. Participant phenotype was not available at the time of variant classification. Additional details can be found in publication PMID: 35346344, PMCID: PMC8962531

NM_002474.3(MYH11):c.346-4G>A

Gene: MYH11 (myosin heavy chain 11; minus strand). Cytogenetic location: 16p13.11.
Variant type: single nucleotide variant.
Coding change: c.346-4G>A on transcript NM_002474.3 (MANE Select); 4 bases into the intron before coding-DNA position 346, G replaced by A.
Molecular consequence: intron variant.
Genome position (GRCh38, 1-based): chr16:15,823,415, C>T on the plus strand (G>A on the coding strand, the complement: MYH11 is on the minus strand). VCF-style: chr16-15823415-C-T. GRCh37 (hg19) VCF-style: chr16-15917272-C-T.
Other names: c.346-4G>A (NM_022844.3, NM_001040114.2, NM_001040113.2).
Identifiers: ClinVar variation 3072561 (VCV003072561.1), dbSNP rs2506954039, ClinGen allele CA2631951025.
Genomic context (GRCh38, chr16:15,823,415, plus strand): 5'-GTAGATGGGCAGGTGTTTATAGGGGTTGACCACCACGCAGAAGAGGCCAGAGTACGTCTG[C>T]AGACAGAGAACCCAGCTTACTTCCAGACCTCCTCCAGGGTAGACAGATTGCACAGAAGCA-3'